The following is an entry in ClinVar:

ClinVar aggregate classification (germline): Uncertain significance (1 of 4 stars; one submission).

Conditions:
Long QT syndrome (LQTS). Identifiers: MedGen C0023976, MeSH D008133, MONDO:0002442. Disease mechanism: loss of function. Inheritance: Various modes of inheritance.

gnomAD v4.1: 1 of 1,614,140 alleles (0.000062%); highest among the groups gnomAD compares: Non-Finnish European, 0.000085%; no homozygotes.

Submission:

Labcorp Genetics (formerly Invitae), Labcorp
Classification: Uncertain significance for Long QT syndrome. Last evaluated: 2025-01-27. Review status: criteria provided, single submitter. Criteria: Invitae Variant Classification Sherloc (09022015). Collection method: clinical testing. Allele origin: germline.
Comment: This sequence change replaces alanine, which is neutral and non-polar, with glutamic acid, which is acidic and polar, at codon 2491 of the ANK2 protein (p.Ala2491Glu). This variant is not present in population databases (gnomAD no frequency). This variant has not been reported in the literature in individuals affected with ANK2-related conditions. ClinVar contains an entry for this variant (Variation ID: 1717860). An algorithm developed to predict the effect of missense changes on protein structure and function (PolyPhen-2) suggests that this variant is likely to be tolerated. In summary, the available evidence is currently insufficient to determine the role of this variant in disease. Therefore, it has been classified as a Variant of Uncertain Significance.

NM_001148.6(ANK2):c.7472C>A (p.Ala2491Glu)

Genes: ANK2 (ankyrin 2; plus strand), LOC126807137 (CDK7 strongly-dependent group 2 enhancer GRCh37_chr4:114276560-114277759; plus strand). Cytogenetic location: 4q26.
Variant type: single nucleotide variant.
Coding change: c.7472C>A on transcript NM_001148.6 (MANE Select); coding-DNA position 7472, C replaced by A.
Protein change: p.Ala2491Glu; replaces alanine 2491 with glutamic acid.
Molecular consequence: missense variant. On other transcripts: intron variant (68).
Genome position (GRCh38, 1-based): chr4:113,356,090, C>A. VCF-style: chr4-113356090-C-A. GRCh37 (hg19) VCF-style: chr4-114277246-C-A.
Other names: c.7238C>A, p.Ala2413Glu (NM_001386142.1); c.3872C>A, p.Ala1291Glu (NM_001386166.1); c.7613C>A, p.Ala2538Glu (NM_001386174.1); c.7589C>A, p.Ala2530Glu (NM_001386175.1); c.4412-4733C>A (NM_001386186.2, NM_001386148.2); c.4214-4733C>A (NM_001354269.3); c.4292-4733C>A (NM_001386187.2); c.4253-4733C>A (NM_001386147.1); and 35 more; short protein forms A1291E, A2413E, A2491E, A2530E, A2538E.
Identifiers: ClinVar variation 1717860 (VCV001717860.6), dbSNP rs145839325, ClinGen allele CA357930463.
Genomic context (GRCh38, chr4:113,356,090, plus strand): 5'-GCAGCCCTGTTGAACCAAAGATGAAGGCTGGAATTTTTCCAAGTCACTTTCCTCTTCCTG[C>A]AGCTGTTGCCAAAACAGAACTCTTGACGGAAGTGGCCTCTGTGCGGTCCCGGCTACTCCG-3'
Protein context (NP_001139.3, residues 2481-2501): GIFPSHFPLP[Ala2491Glu]AVAKTELLTE